The following is an entry in ClinVar:

ClinVar aggregate classification (germline): Pathogenic/Likely pathogenic. Review status: criteria provided, multiple submitters, no conflicts (2 of 4 stars). 21 submissions from 19 submitters: Pathogenic (15); Likely pathogenic (1). 5 of the submissions do not count toward it. Last evaluated 2026-08-06.

Conditions:
TRPV4-related disorder. Also called: TRPV4-related condition; TRPV4-related disorders.
TRPV4-related bone disorder. Identifiers: Orphanet 364820, MedGen C5680977, MONDO:0018240.
Avascular necrosis of femoral head, primary, 2 (ANFH2). Identifiers: MedGen C4479260, MONDO:0054551, OMIM 617383.
Inborn genetic diseases. Identifiers: MedGen C0950123, MeSH D030342.
Neuromuscular disease. Also called: Neuromuscular disorder; Neuromyopathy. Identifiers: Orphanet 68381, MedGen C0027868, MeSH D009468, MONDO:0019056.
Skeletal dysplasia. Also called: Primary bone dysplasia. Identifiers: Orphanet 364526, MedGen C0410528, MONDO:0018230, HP:0002652.
Multiple epiphyseal dysplasia. Also called: Multiple epiphyseal dysplasia (disease). Identifiers: Orphanet 251, MedGen C0026760, MONDO:0016648, HP:0002654.
Parastremmatic dwarfism. Identifiers: Orphanet 2646, MedGen C1868616, MONDO:0008196, OMIM 168400.
Neuronopathy, distal hereditary motor, autosomal dominant 8. Also called: NEURONOPATHY, DISTAL HEREDITARY MOTOR, TYPE VIII; NEUROPATHY, DISTAL HEREDITARY MOTOR, TYPE VIII; SPINAL MUSCULAR ATROPHY, CONGENITAL BENIGN, WITH CONTRACTURES; Autosomal dominant congenital benign spinal muscular atrophy. Identifiers: Orphanet 1216, MedGen C1838492, MONDO:0010839, OMIM 600175.
Metatropic dysplasia (MTD). Also called: METATROPIC DWARFISM; Metatropic Dysplasia, TRPV4-Related; Metatropic dysplasia, nonlethal dominant. Identifiers: Orphanet 2635, MedGen C0265281, MONDO:0007986, OMIM 156530.
Charcot-Marie-Tooth disease axonal type 2C (HMSN2C). Also called: Charcot-Marie-Tooth Disease Type 2, TRPV4-Related (CMT2C); CHARCOT-MARIE-TOOTH DISEASE, AXONAL, AUTOSOMAL DOMINANT, TYPE 2C; Charcot-Marie-Tooth Neuropathy Type 2C. Identifiers: Orphanet 99937, MedGen C1853710, MONDO:0011633, OMIM 606071.
Spondylometaphyseal dysplasia, Kozlowski type (SMDK). Also called: Dysmorphism arthrogryposis skeletal maturation advanced; Jequier-Kozlowski syndrome; Skeletal dysplasia Jequier-Kozlowski type; SMD Kozlowski type; Spondylometaphyseal Dysplasia, TRPV4-Related (Kozlowski Type). Identifiers: Orphanet 93314, MedGen C0265280, MONDO:0008477, OMIM 184252.

Submissions 1 to 8 of 21:

OLLIN Analises Genomicas, OLLIN
Classification: Pathogenic for Avascular necrosis of femoral head, primary, 2. Last evaluated: 2026-08-06. Review status: criteria provided, single submitter. Criteria: ACMG Guidelines 2015 PMID 25741868. Collection method: clinical testing. Allele origin: germline. Inheritance: Autosomal dominant inheritance.
Comment: This missense variant, located in exon 11 (of 16), is absent from gnomAD but has been reported in ClinVar (accession VCV000004994.59) and in the scientific literature in individuals with TRPV4 related disorders (PMID: 24644033, 21573172, 19232556). Functional studies suggest that this variant may affect protein function, and in silico analysis predicts a deleterious effect (PMID: 24644033, 21573172, 19232556). Another pathogenic variant affecting the same amino acid residue has been reported. According to the currently available evidence, this variant has been classified as pathogenic (PS3_P, PS4, PM2_P, PM5, PP3_M).

Labcorp Genetics (formerly Invitae), Labcorp
Classification: Pathogenic for Charcot-Marie-Tooth disease axonal type 2C. Last evaluated: 2025-12-26. Review status: criteria provided, single submitter. Criteria: Invitae Variant Classification Sherloc (09022015). Collection method: clinical testing. Allele origin: germline.
Comment: This sequence change replaces arginine, which is basic and polar, with histidine, which is basic and polar, at codon 594 of the TRPV4 protein (p.Arg594His). This variant is not present in population databases (gnomAD no frequency). This missense change has been observed in individuals with spondylometaphyseal dysplasia, Kozlowski type as well as other related skeletal dysplasias (PMID: 19232556, 20503319, 20577006, 21658220). ClinVar contains an entry for this variant (Variation ID: 4994). Invitae Evidence Modeling of protein sequence and biophysical properties (such as structural, functional, and spatial information, amino acid conservation, physicochemical variation, residue mobility, and thermodynamic stability) has been performed for this missense variant. However, the output from this modeling did not meet the statistical confidence thresholds required to predict the impact of this variant on TRPV4 protein function. Experimental studies have shown that this missense change affects TRPV4 function (PMID: 19232556, 21573172). For these reasons, this variant has been classified as Pathogenic.

PreventionGenetics, part of Exact Sciences
Classification: Pathogenic for TRPV4-related condition. Last evaluated: 2024-12-27. Review status: criteria provided, single submitter. Criteria: ACMG Guidelines, 2015. Collection method: clinical testing. Allele origin: germline.
Comment: The TRPV4 c.1781G>A variant is predicted to result in the amino acid substitution p.Arg594His. This variant has been documented to be causative for spondylometaphyseal dysplasia, Kozlowski type and metatropic dysplasia (Krakow et al. 2009. PubMed ID: 19232556; Andreucci et al. 2011. PubMed ID: 21658220; Bieganski et al. 2017. PubMed ID: 28687525). This variant has also been reported in one patient with parastremmatic dysplasia (Nishimura et al. 2010. PubMed ID: 20503319). A different substitution of the same amino acid (c.1780C>A, p.Arg594Ser) has been reported in a patient with metatropic dysplasia (Andreucci et al. 2011. PubMed ID: 21658220). This variant has not been reported in a large population database (gnomAD), indicating this variant is rare. We interpret this variant as pathogenic.

Blueprint Genetics
Classification: Pathogenic for TRPV4-related disorders. Last evaluated: 2024-08-28. Review status: criteria provided, single submitter. Criteria: ACMG Guidelines, 2015. Collection method: clinical testing. Allele origin: germline. Affected: yes. Observed: 5 variant alleles.

Division of Genetic & Genomic Pathology, Hong Kong Children's Hospital
Classification: Pathogenic for TRPV4-related bone disorder. Last evaluated: 2024-08-07. Review status: criteria provided, single submitter. Criteria: ACMG Guidelines, 2015. Collection method: clinical testing. Allele origin: germline. Affected: yes.
Comment: TRPV4 c.1781G>A p.(Arg594His) is a missense variant located in exon 11. The variant is absent from control populations (gnomAD v2.1.1 and v4.1.0). The variant has been reported in more than 15 patients with spondylometaphyseal dysplasia, Kozlowski type (PMID: 19232556, 20503319, 20577006, 28687525, ClinVar accession: VCV000004994.40). For these reasons, this variant is classified as pathogenic.

GeneDx
Classification: Pathogenic. Last evaluated: 2023-11-22. Review status: criteria provided, single submitter. Criteria: GeneDx Variant Classification Process June 2021. Collection method: clinical testing. Allele origin: germline. Affected: yes.
Comment: Published functional studies demonstrate that R594H leads to increased constitutive and agonist-responsive activity, and R594 transgenic mice exhibited severe skeletal abnormalities (PMID: 19232556, 24644033); In silico analysis, which includes protein predictors and evolutionary conservation, supports a deleterious effect; Not observed at significant frequency in large population cohorts (gnomAD); This variant is associated with the following publications: (PMID: 20577006, 21658220, 29776788, 20503319, 21573172, 28687525, 22791502, 24644033, 30945278, 32036093, 34008892, 32381727, 19232556)

Ambry Genetics
Classification: Pathogenic for Inborn genetic diseases. Last evaluated: 2022-12-07. Review status: criteria provided, single submitter. Criteria: Ambry Variant Classification Scheme 2023. Collection method: clinical testing. Allele origin: germline.
Comment: The c.1781G>A (p.R594H) alteration is located in exon 11 (coding exon 10) of the TRPV4 gene. This alteration results from a G to A substitution at nucleotide position 1781, causing the arginine (R) at amino acid position 594 to be replaced by a histidine (H). This variant was not reported in population-based cohorts in the Genome Aggregation Database (gnomAD). This variant has been detected in multiple individuals with Kozlowski type spondylometaphyseal dysplasia and metatropic dysplasia, including some cases of reported de novo occurrence (Krakow, 2009; Dai, 2010; Andreucci, 2011; Zhang, 2015; Bieganski, 2017; Hsu, 2019). Another alteration at the same codon, c.1780C>A (p.R594S), has been described in an individual with metatropic dysplasia (Andreucci, 2011). This amino acid position is highly conserved in available vertebrate species. Functional analysis demonstrated that the p.R594H alteration altered basal calcium channel activity in vitro (Krakow, 2009). This alteration is predicted to be deleterious by in silico analysis. Based on the available evidence, this alteration is classified as pathogenic.

3billion
Classification: Pathogenic for Spondylometaphyseal dysplasia, Kozlowski type. Last evaluated: 2022-09-01. Review status: criteria provided, single submitter. Criteria: ACMG Guidelines, 2015. Collection method: clinical testing. Allele origin: germline. Affected: yes. Observed: 1 heterozygote.
Comment: The variant is not observed in the gnomAD v2.1.1 dataset. It is located in a mutational hot spot and/or well-established functional domain in which established pathogenic variants have been reported. Missense changes are a common disease-causing mechanism. In silico tool predictions suggest damaging effect of the variant on gene or gene product (REVEL: 0.89; 3Cnet: 0.77). Same nucleotide change resulting in same amino acid change has been previously reported as pathogenic/likely pathogenic with strong evidence (ClinVar ID: VCV000004994). Different missense changes at the same codon (p.Arg594Cys, p.Arg594Ser) have been reported as pathogenic/likely pathogenic with strong evidence (ClinVar ID: VCV001224354 , VCV001484191). Therefore, this variant is classified as Pathogenic according to the recommendation of ACMG/AMP guideline.

NM_021625.5(TRPV4):c.1781G>A (p.Arg594His)

Gene: TRPV4 (transient receptor potential cation channel subfamily V member 4; minus strand). Cytogenetic location: 12q24.11.
Variant type: single nucleotide variant.
Coding change: c.1781G>A on transcript NM_021625.5 (MANE Select); coding-DNA position 1781, G replaced by A.
Protein change: p.Arg594His; replaces arginine 594 with histidine.
Molecular consequence: missense variant.
Genome position (GRCh38, 1-based): chr12:109,792,695, C>T on the plus strand (G>A on the coding strand, the complement: TRPV4 is on the minus strand). VCF-style: chr12-109792695-C-T. GRCh37 (hg19) VCF-style: chr12-110230500-C-T.
Other names: R594H; c.1640G>A, p.Arg547His (NM_001177428.2); c.1679G>A, p.Arg560His (NM_001177431.2); c.1460G>A, p.Arg487His (NM_001177433.2); c.1601G>A, p.Arg534His (NM_147204.3); short protein forms R534H, R487H, R547H, R560H.
Identifiers: ClinVar variation 4994 (VCV000004994.62), dbSNP rs77975504, ClinGen allele CA117168.